The following is an entry in ClinVar:

NM_007255.3(B4GALT7):c.225C>T (p.Cys75=)

Gene: B4GALT7 (beta-1,4-galactosyltransferase 7; plus strand). Cytogenetic location: 5q35.3.
Variant type: single nucleotide variant.
Coding change: c.225C>T on transcript NM_007255.3 (MANE Select); coding-DNA position 225, C replaced by T.
Protein change: p.Cys75=; no amino-acid change (cysteine 75 retained).
Molecular consequence: synonymous variant.
Genome position (GRCh38, 1-based): chr5:177,604,353, C>T. VCF-style: chr5-177604353-C-T. GRCh37 (hg19) VCF-style: chr5-177031354-C-T.
Identifiers: ClinVar variation 783627 (VCV000783627.14), dbSNP rs780427259, ClinGen allele CA3586412.

ClinVar aggregate classification (germline): Likely benign. Review status: criteria provided, multiple submitters, no conflicts (2 of 4 stars). 3 submissions from 3 submitters: Likely benign (3). Last evaluated 2026-08-01.

Conditions:
Spondylodysplastic Ehlers-Danlos syndrome. Identifiers: Orphanet 536471, Orphanet 75496, MedGen C5680154, MONDO:0007526.

Allele frequency attached by ClinVar (database versions not stated): gnomAD 0.00004; TOPMed 0.00017; ExAC 0.00018; gnomAD exomes 0.00032.
gnomAD v4.1: 102 of 1,610,674 alleles (0.0063%); highest among the groups gnomAD compares: Admixed American, 0.14%; no homozygotes.

Submissions (3):

CeGaT Center for Human Genetics Tuebingen
Classification: Likely benign. Last evaluated: 2026-08-01. Review status: criteria provided, single submitter. Criteria: CeGaT Center For Human Genetics Tuebingen Variant Classification Criteria Version 2. Collection method: clinical testing. Allele origin: germline. Affected: yes. Observed: 2 variant alleles.
Comment: B4GALT7: BP4, BP7

Labcorp Genetics (formerly Invitae), Labcorp
Classification: Likely benign for Spondylodysplastic Ehlers-Danlos syndrome. Last evaluated: 2026-01-06. Review status: criteria provided, single submitter. Criteria: Invitae Variant Classification Sherloc (09022015). Collection method: clinical testing. Allele origin: germline.

GeneDx
Classification: Likely benign. Last evaluated: 2020-11-24. Review status: criteria provided, single submitter. Criteria: GeneDx Variant Classification Process June 2021. Collection method: clinical testing. Allele origin: germline. Affected: yes.